The following is an entry in ClinVar:

ClinVar aggregate classification (germline): Likely pathogenic (1 of 4 stars; one submission).

Conditions:
Facioscapulohumeral muscular dystrophy 2 (FSHD2). Also called: FACIOSCAPULOHUMERAL MUSCULAR DYSTROPHY 2, DIGENIC; FSHD2, DIGENIC; MUSCULAR DYSTROPHY, FACIOSCAPULOHUMERAL, TYPE 1B. Identifiers: Orphanet 269, MedGen C1834671, MONDO:0008031, OMIM 158901.

Submission:

Laboratory of Functional Genomics, Research Centre for Medical Genetics
Classification: Likely pathogenic for Facioscapulohumeral muscular dystrophy 2. Last evaluated: 2025-02-10. Review status: criteria provided, single submitter. Criteria: ACMG Guidelines, 2015. Collection method: clinical testing. Allele origin: inherited. Inheritance: Autosomal dominant inheritance. Affected: yes. Observed: 2 variant alleles, 2 heterozygotes.
Comment: This variant, NC_000018.10.[2757137_2786020del;2786342_2786785del], was identified in a family with a clinical phenotype consistent with facioscapulohumeral muscular dystrophy (FSHD). The presence of the variant in multiple affected family members, together with its segregation with a permissive 4qA allele and D4Z4 hypomethylation, supports a deleterious effect of the variant and its association with FSHD2.

NC_000018.10:g.[2757137_2786020del;2786342_2786785del]

Gene: SMCHD1 (structural maintenance of chromosomes flexible hinge domain containing 1; plus strand).
Variant type: Variation.
Identifiers: ClinVar variation 4887973 (VCV004887973.1).